The following is an entry in ClinVar:

NM_007294.4(BRCA1):c.1396C>T (p.Arg466Trp)

Gene: BRCA1 (BRCA1 DNA repair associated; minus strand). Cytogenetic location: 17q21.31.
Variant type: single nucleotide variant.
Coding change: c.1396C>T on transcript NM_007294.4 (MANE Select); coding-DNA position 1396, C replaced by T.
Protein change: p.Arg466Trp; replaces arginine 466 with tryptophan.
Molecular consequence: missense variant. On other transcripts: intron variant (137).
Genome position (GRCh38, 1-based): chr17:43,094,135, G>A on the plus strand (C>T on the coding strand, the complement: BRCA1 is on the minus strand). VCF-style: chr17-43094135-G-A. GRCh37 (hg19) VCF-style: chr17-41246152-G-A.
Other names: 1515C>T; c.1183C>T, p.Arg395Trp (NM_001407571.1, NM_001407853.1, NM_001407894.1 and 9 more transcripts); c.1396C>T, p.Arg466Trp (NM_001407581.1, NM_001407582.1, NM_001407583.1 and 30 more transcripts); c.1393C>T, p.Arg465Trp (NM_001407587.1, NM_001407590.1, NM_001407591.1 and 22 more transcripts); c.1387C>T, p.Arg463Trp (NM_001407646.1, NM_001407647.1); c.1273C>T, p.Arg425Trp (NM_001407648.1, NM_001407664.1, NM_001407665.1 and 19 more transcripts); c.1270C>T, p.Arg424Trp (NM_001407649.1, NM_001407670.1, NM_001407671.1 and 11 more transcripts); c.1318C>T, p.Arg440Trp (NM_001407653.1, NM_001407654.1, NM_001407655.1 and 4 more transcripts); and 41 more; short protein forms R466W, R419W, R298W, R338W, R339W, R395W, R396W, R463W.
Identifiers: ClinVar variation 37410 (VCV000037410.34), dbSNP rs80356964, ClinGen allele CA000939.

ClinVar aggregate classification (germline): Conflicting classifications of pathogenicity. Review status: criteria provided, conflicting classifications (1 of 4 stars). 16 submissions from 16 submitters: Uncertain significance (6); Likely benign (6). 4 of the submissions do not count toward it. Last evaluated 2026-01-30.

Conditions:
BRCA1-related disorder. Also called: BRCA1-related condition.
Breast and/or ovarian cancer. Identifiers: MedGen CN221562.
Hereditary cancer-predisposing syndrome. Also called: Tumor predisposition; Neoplastic Syndromes, Hereditary; Hereditary Cancer Syndrome; Hereditary neoplastic syndrome. Identifiers: Orphanet 140162, MedGen C0027672, MeSH D009386, MONDO:0015356.
Hereditary breast ovarian cancer syndrome. Also called: Hereditary breast and ovarian cancer syndrome (HBOC); Hereditary breast and ovarian cancer syndrome; Hereditary breast and ovarian cancer; Hereditary breast and/or ovarian cancer syndrome; Breast and ovarian cancer; BRCA1- and BRCA2-Associated Hereditary Breast and Ovarian Cancer. Identifiers: Orphanet 145, MedGen C0677776, MeSH D061325, MONDO:0003582. Disease mechanism: loss of function.
Breast-ovarian cancer, familial, susceptibility to, 1 (BROVCA1). Also called: OVARIAN CANCER, SUSCEPTIBILITY TO; BRCA1 Hereditary Breast and Ovarian Cancer. Identifiers: Orphanet 145, MedGen C2676676, MONDO:0011450, OMIM 604370. Disease mechanism: loss of function.

Allele frequency attached by ClinVar (database versions not stated): gnomAD 0.00001; gnomAD exomes 0.00001; ExAC 0.00002.
gnomAD v4.1: 15 of 1,613,874 alleles (0.00093%); highest among the groups gnomAD compares: East Asian, 0.0022%; no homozygotes.

Submissions (16):

Labcorp Genetics (formerly Invitae), Labcorp
Classification: Likely benign for Hereditary breast ovarian cancer syndrome. Last evaluated: 2026-01-30. Review status: criteria provided, single submitter. Criteria: Invitae Variant Classification Sherloc (09022015). Collection method: clinical testing. Allele origin: germline.

Quest Diagnostics Nichols Institute San Juan Capistrano
Classification: Uncertain significance. Last evaluated: 2025-05-12. Review status: criteria provided, single submitter. Criteria: Quest Diagnostics criteria. Collection method: clinical testing. Allele origin: unknown.
Comment: The BRCA1 c.1396C>T (p.Arg466Trp) variant has been reported in the published literature in an individual from suspected hereditary breast and ovarian cancer family (PMID: 29061375 (2018)) as well as in reportedly unaffected individuals (PMID: 12872252 (2003), 33471991 (2021), see also LOVD). This variant was reported as being likely benign in a multifactorial likelihood study (PMID: 31131967 (2019)). Additionally, this variant has been reported to be located in a region of the BRCA1 gene that is tolerant to missense sequence changes (PMID: 31911673 (2020)). The frequency of this variant in the general population (Genome Aggregation Database) is uninformative in the assessment of its pathogenicity. Analysis of this variant using bioinformatics tools for the prediction of the effect of amino acid changes on protein structure and function yielded conflicting predictions that this variant is benign or damaging. Based on the available information, we are unable to determine the clinical significance of this variant.

Molecular Diagnostics Laboratory, Catalan Institute of Oncology
Classification: Likely benign for Hereditary cancer-predisposing syndrome. Last evaluated: 2025-01-21. Review status: criteria provided, single submitter. Criteria: ClinGen BRCA1BRCA2 ACMG Specifications BRCA1 V1.0.0. Collection method: clinical testing. Allele origin: germline.
Comment: BP1_Strong, BP5_Moderate c.1396C>T, located in exon 10 (11 according BIC nomenclature) of the BRCA1 gene, is predicted to result in the substitution of Arg by Trp at codon 466, p.(Arg466Trp). This position is outside a (potentially) clinically important functional domain and, moreover, the SpliceAI algorithm predicts no significant impact on splicing (BP1_strong). This variant is found in 4/267954 alleles at a frequency of 0.0015% in the gnomAD v2.1.1 database, non-cancer dataset. Published clinical data for a multifactorial likelihood analysis (PMID: 31131967) showed a combined LR=0,09 (BP5_Moderate). This variant has been reported in ClinVar (2x benign, 6x likely benign, 6x uncertain significance) and LOVD (1x NA) databases, and in BRCA Exchange database as not yet reviewed. Based on currently available information, the variant c.1396C>T should be considered a likely benign variant.

PreventionGenetics, part of Exact Sciences
Classification: Uncertain significance for BRCA1-related condition. Last evaluated: 2023-09-11. Review status: criteria provided, single submitter. Criteria: ACMG Guidelines, 2015. Collection method: clinical testing. Allele origin: germline.
Comment: The BRCA1 c.1396C>T variant is predicted to result in the amino acid substitution p.Arg466Trp. This variant was reported in an unknown sample from a validation study of a BRCA1 and BRCA2 NGS-based test (Table S1 in Capone et al 2017. PubMed ID: 29061375). This variant is reported in 0.0050% of alleles in individuals of East Asian descent in gnomAD. This variant occurs within a region of the BRCA1 gene that is predicted to be tolerant to variation (Table 2, Dines et al. 2020. PubMed ID: 31911673). This variant has been reported in ClinVar as likely benign and uncertain by outside laboratories. Of note, a different variant impacting the same amino acid (p.Arg466Gly) was documented in a patient with breast cancer (Abulkhair et al. 2018. PubMed ID: 30199306, variant referred to as c.1396C>G). At this time, the clinical significance of this variant is uncertain due to the absence of conclusive functional and genetic evidence.

GeneDx
Classification: Uncertain significance. Last evaluated: 2023-05-02. Review status: criteria provided, single submitter. Criteria: GeneDx Variant Classification Process June 2021. Collection method: clinical testing. Allele origin: germline. Affected: yes.
Comment: In silico analysis supports that this missense variant has a deleterious effect on protein structure/function; Not observed at significant frequency in large population cohorts (gnomAD); Observed in an individual from a family with suspected hereditary breast and ovarian cancer (Capone et al., 2018); Also known as 1515C>T; This variant is associated with the following publications: (PMID: 15385441, 26272908, 24413733, 12872252, 29061375, 31131967, 15343273, 32377563, 29884841, 31911673)

All of Us Research Program, National Institutes of Health
Classification: Likely benign for Breast-ovarian cancer, familial, susceptibility to, 1. Last evaluated: 2023-04-10. Review status: criteria provided, single submitter. Criteria: ACMG Guidelines, 2015. Collection method: clinical testing. Allele origin: germline. Inheritance: Autosomal dominant inheritance. Observed: 1 variant allele, 1 heterozygote.
Comment: This study involves interpretation of variants in research participants for the purpose of population health screening. Participant phenotype was not available at the time of variant classification. Additional details can be found in publication PMID: 35346344, PMCID: PMC8962531

University of Washington Department of Laboratory Medicine, University of Washington
Classification: Likely benign for Hereditary cancer-predisposing syndrome. Last evaluated: 2023-03-23. Review status: criteria provided, single submitter. Criteria: Dines et al. (Genet Med. 2020). Collection method: curation. Allele origin: germline.
Comment: Missense variant in a coldspot region where missense variants are very unlikely to be pathogenic (PMID:31911673).

BRCA1 coldspot (exon 11 using historical exon numbering). Reclassification based on statistical prior probability

CHEO Genetics Diagnostic Laboratory, Children's Hospital of Eastern Ontario
Classification: Uncertain significance for Breast and/or ovarian cancer. Last evaluated: 2021-08-26. Review status: criteria provided, single submitter. Criteria: ACMG Guidelines, 2015. Collection method: clinical testing. Allele origin: germline.

Color Diagnostics, LLC DBA Color Health
Classification: Likely benign for Hereditary cancer-predisposing syndrome. Last evaluated: 2021-08-13. Review status: criteria provided, single submitter. Criteria: ACMG Guidelines, 2015. Collection method: clinical testing. Allele origin: germline.

Sema4
Classification: Uncertain significance for Hereditary cancer-predisposing syndrome. Last evaluated: 2021-05-21. Review status: criteria provided, single submitter. Criteria: Sema4 Curation Guidelines. Collection method: curation. Allele origin: germline.
Comment: The BRCA1 c.1396C>T (p.R466W) variant has been reported in heterozygosity in at least one individual with breast cancer (PMID: 29061375). This variant was observed in 1/19948 chromosomes in the East Asian population according to the Genome Aggregation Database (PMID: 32461654) and has been reported in ClinVar (Variation ID: 37410). In silico tools suggest the impact of the variant on protein function is inconclusive, though these predictions have not been confirmed by functional studies. Based on the current evidence available, this variant is interpreted as a variant of uncertain significance.

Ambry Genetics
Classification: Likely benign for Hereditary cancer-predisposing syndrome. Last evaluated: 2017-04-19. Review status: criteria provided, single submitter. Criteria: Ambry Variant Classification Scheme 2023. Collection method: clinical testing. Allele origin: germline.

Genetic Services Laboratory, University of Chicago
Classification: Uncertain significance. Last evaluated: 2017-03-29. Review status: criteria provided, single submitter. Criteria: ACMG Guidelines, 2015. Collection method: clinical testing. Allele origin: germline. Affected: no.

BRCAlab, Lund University
Classification: Likely benign for Breast-ovarian cancer, familial, susceptibility to, 1. Last evaluated: 2020-03-02. Review status: no assertion criteria provided. Collection method: clinical testing. Allele origin: germline. Affected: yes. Not counted in ClinVar's aggregate classification.

Sharing Clinical Reports Project (SCRP)
Classification: Benign for Breast-ovarian cancer, familial 1. Last evaluated: 2012-05-01. Review status: no assertion criteria provided. Collection method: clinical testing. Allele origin: germline. Not counted in ClinVar's aggregate classification.

Breast Cancer Information Core (BIC) (BRCA1)
Classification: Uncertain significance for Breast-ovarian cancer, familial 1. Last evaluated: 2004-02-20. Review status: no assertion criteria provided. Collection method: clinical testing. Allele origin: germline. Affected: yes. Observed: 4 variant alleles. Not counted in ClinVar's aggregate classification.

Department of Pathology and Laboratory Medicine, Sinai Health System
Classification: Likely benign. Review status: no assertion criteria provided. Collection method: clinical testing. Allele origin: unknown. Affected: yes. Study: The Canadian Open Genetics Repository (COGR). Not counted in ClinVar's aggregate classification.
Comment: The p.Arg466Trp variant was not identified in the literature but was identified in dbSNP (ID: rs80356964) â€šÃ„ÃºWith other, untested alleleâ€šÃ„Ã¹, UMD (1X as an unclassified variant), and the BIC database (4X with unknown clinical importance). It was classified as a benign variant by the Sharing Clinical Reports Project (SCRP) (submitted within the ClinVar database and derived from Myriad reports), increasing the likelihood this variant does not have clinical significance. The p.Arg466 residue is not conserved in mammals and lower organisms, and computational analyses (PolyPhen-2, SIFT, AlignGVGD, BLOSUM, MutationTaster) provide inconsistent predictions regarding the impact to the protein; this information is not very predictive of pathogenicity. In summary, based on the above information, the clinical significance of this variant cannot be determined with certainty at this time although we would lean towards a more benign role for this variant. This variant is classified as predicted benign.

Literature cited by the submitters: PubMed 31911673 (cited by Quest Diagnostics Nichols Institute San Juan Capistrano); PubMed 33471991 (cited by Quest Diagnostics Nichols Institute San Juan Capistrano); PubMed 29061375 (cited by Quest Diagnostics Nichols Institute San Juan Capistrano and Sema4); PubMed 31131967 (cited by Quest Diagnostics Nichols Institute San Juan Capistrano); PubMed 12872252 (cited by Quest Diagnostics Nichols Institute San Juan Capistrano); PubMed 15385441 (cited by Ambry Genetics).